The following is an entry in ClinVar:

NM_001349253.2(SCN11A):c.1666G>A (p.Val556Met)

Gene: SCN11A (sodium voltage-gated channel alpha subunit 11; minus strand). Cytogenetic location: 3p22.2.
Variant type: single nucleotide variant.
Coding change: c.1666G>A on transcript NM_001349253.2 (MANE Select); coding-DNA position 1666, G replaced by A.
Protein change: p.Val556Met; replaces valine 556 with methionine.
Molecular consequence: missense variant.
Genome position (GRCh38, 1-based): chr3:38,904,041, C>T on the plus strand (G>A on the coding strand, the complement: SCN11A is on the minus strand). VCF-style: chr3-38904041-C-T. GRCh37 (hg19) VCF-style: chr3-38945532-C-T.
Other names: c.1666G>A, p.Val556Met (NM_014139.3); short protein forms V556M.
Identifiers: ClinVar variation 861730 (VCV000861730.9), dbSNP rs200175925, ClinGen allele CA2322240.

ClinVar aggregate classification (germline): Conflicting classifications of pathogenicity. Review status: criteria provided, conflicting classifications (1 of 4 stars). 3 submissions from 3 submitters: Uncertain significance (2); Likely benign (1). Last evaluated 2026-08-14.

Conditions:
SCN11A-related disorder. Also called: SCN11A-related condition.
Inborn genetic diseases. Identifiers: MedGen C0950123, MeSH D030342.
Hereditary sensory and autonomic neuropathy type 7. Also called: HSAN VII; Neuropathy, hereditary sensory and autonomic, type VII. Identifiers: Orphanet 391397, MedGen C3809882, MONDO:0014244, OMIM 615548.
Familial episodic pain syndrome with predominantly lower limb involvement. Also called: Episodic pain syndrome, familial, 3. Identifiers: Orphanet 391384, Orphanet 391392, MedGen C3809899, MONDO:0014247, OMIM 615552.

Allele frequency attached by ClinVar (database versions not stated): ExAC 0.00006; ESP Exome Variant Server 0.00015; 1000 Genomes Project 30x 0.00016; TOPMed 0.00018; 1000 Genomes Project 0.00020.
gnomAD v4.1: 75 of 1,606,626 alleles (0.0047%); highest among the groups gnomAD compares: African/African-American, 0.052%; no homozygotes.

Submissions (3):

PreventionGenetics, part of Exact Sciences
Classification: Uncertain significance for SCN11A-related condition. Last evaluated: 2026-08-14. Review status: criteria provided, single submitter. Criteria: ACMG Guidelines, 2015. Collection method: clinical testing. Allele origin: germline.
Comment: The SCN11A c.1666G>A variant is predicted to result in the amino acid substitution p.Val556Met. To our knowledge, this variant has not been reported in the literature. This variant is reported in 0.048% of alleles in individuals of African descent in gnomAD. Although we suspect that this variant may be benign, at this time, the clinical significance of this variant is uncertain due to the absence of conclusive functional and genetic evidence.

Labcorp Genetics (formerly Invitae), Labcorp
Classification: Uncertain significance for Familial episodic pain syndrome with predominantly lower limb involvement; Hereditary sensory and autonomic neuropathy type 7. Last evaluated: 2026-01-05. Review status: criteria provided, single submitter. Criteria: Invitae Variant Classification Sherloc (09022015). Collection method: clinical testing. Allele origin: germline.
Comment: This sequence change replaces valine, which is neutral and non-polar, with methionine, which is neutral and non-polar, at codon 556 of the SCN11A protein (p.Val556Met). This variant is present in population databases (rs200175925, gnomAD 0.05%), and has an allele count higher than expected for a pathogenic variant. This variant has not been reported in the literature in individuals affected with SCN11A-related conditions. ClinVar contains an entry for this variant (Variation ID: 861730). Invitae Evidence Modeling of protein sequence and biophysical properties (such as structural, functional, and spatial information, amino acid conservation, physicochemical variation, residue mobility, and thermodynamic stability) indicates that this missense variant is not expected to disrupt SCN11A protein function with a negative predictive value of 80%. In summary, the available evidence is currently insufficient to determine the role of this variant in disease. Therefore, it has been classified as a Variant of Uncertain Significance.

Ambry Genetics
Classification: Likely benign for Inborn genetic diseases. Last evaluated: 2023-08-14. Review status: criteria provided, single submitter. Criteria: Ambry Variant Classification Scheme 2023. Collection method: clinical testing. Allele origin: germline.